The following is an entry in ClinVar:

ClinVar aggregate classification (germline): Uncertain significance (1 of 4 stars; one submission).

Submission:

Women's Health and Genetics/Laboratory Corporation of America, LabCorp
Classification: Uncertain significance. Last evaluated: 2016-12-12. Review status: criteria provided, single submitter. Criteria: LabCorp Variant Classification Summary - May 2015. Collection method: clinical testing. Allele origin: germline.
Comment: Variant summary: The ANK2 c.11540T>A (p.Val3847Glu) variant causes a missense change involving a conserved nucleotide, for which 4/5 in silico tools predict a damaging outcome, although these predictions have yet to be functionally assessed. The variant of interest was not observed in control population (ExAC, 1000 Gs, or ESP), nor has it been, to our knowledge, reported in affected individuals via publications and/or clinical diagnostic laboratories/databases. Therefore, until additional information becomes available (i.e., clinical and functional studies), the variant of interest has been classified as a "Variant of Uncertain Significance (VUS)."

NM_001148.6(ANK2):c.11540T>A (p.Val3847Glu)

Gene: ANK2 (ankyrin 2; plus strand). Cytogenetic location: 4q26.
Variant type: single nucleotide variant.
Coding change: c.11540T>A on transcript NM_001148.6 (MANE Select); coding-DNA position 11540, T replaced by A.
Protein change: p.Val3847Glu; replaces valine 3847 with glutamic acid.
Molecular consequence: missense variant.
Genome position (GRCh38, 1-based): chr4:113,369,735, T>A. VCF-style: chr4-113369735-T-A. GRCh37 (hg19) VCF-style: chr4-114290891-T-A.
Other names: c.5258T>A, p.Val1753Glu (NM_001127493.3); c.5297T>A, p.Val1766Glu (NM_001354225.2); c.5186T>A, p.Val1729Glu (NM_001354228.2, NM_001354258.2); c.5264T>A, p.Val1755Glu (NM_001354230.2); c.5327T>A, p.Val1776Glu (NM_001354231.2, NM_001354242.2); c.5321T>A, p.Val1774Glu (NM_001354232.2); c.5282T>A, p.Val1761Glu (NM_001354235.2, NM_001354246.2, NM_001354265.2); c.5183T>A, p.Val1728Glu (NM_001354236.2); and 35 more; short protein forms V1753E, V3847E, V1729E, V1762E, V1766E, V1777E, V945E, V1662E.
Identifiers: ClinVar variation 496106 (VCV000496106.1), dbSNP rs1554590569, ClinGen allele CA357942937.